The following is an entry in ClinVar:

NM_001371904.1(APOA5):c.975C>T (p.Ala325=)

Gene: APOA5 (apolipoprotein A5; minus strand). Cytogenetic location: 11q23.3.
Variant type: single nucleotide variant.
Coding change: c.975C>T on transcript NM_001371904.1 (MANE Select); coding-DNA position 975, C replaced by T.
Protein change: p.Ala325=; no amino-acid change (alanine 325 retained).
Molecular consequence: synonymous variant.
Genome position (GRCh38, 1-based): chr11:116,790,254, G>A on the plus strand (C>T on the coding strand, the complement: APOA5 is on the minus strand). VCF-style: chr11-116790254-G-A. GRCh37 (hg19) VCF-style: chr11-116660970-G-A.
Other names: c.975C>T, p.Ala325= (NM_001166598.2, NM_052968.5).
Identifiers: ClinVar variation 496501 (VCV000496501.25), dbSNP rs137942813, ClinGen allele CA6288952.
Genomic context (GRCh38, chr11:116,790,254, plus strand): 5'-ATCCAGACGGGCCTGCAGCTTGCTCAGAACCTTGCCACTGTCTGTTTGTTGAAACTCTGG[G>A]GCGAAGGCACTGTGGCCTGGTGGAGGTGGCGCCAGCTGCTGCTGGACCTCCTCAGTCTCC-3'
Protein context (NP_001358833.1, residues 315-335): APPPPGHSAF[Ala325=]PEFQQTDSGK

ClinVar aggregate classification (germline): Benign/Likely benign. Review status: criteria provided, multiple submitters, no conflicts (2 of 4 stars). 6 submissions from 6 submitters: Benign (4); Likely benign (2). Last evaluated 2026-01-28.

Conditions:
Cardiovascular phenotype. Identifiers: MedGen CN230736.

Allele frequency attached by ClinVar (database versions not stated): gnomAD exomes 0.00032 and 0.00085; ExAC 0.00108; 1000 Genomes Project 0.00319; 1000 Genomes Project 30x 0.00328; gnomAD 0.00339 and 0.00386; TOPMed 0.00402; ESP Exome Variant Server 0.00439.

Submissions (6):

Labcorp Genetics (formerly Invitae), Labcorp
Classification: Benign. Last evaluated: 2026-01-28. Review status: criteria provided, single submitter. Criteria: Invitae Variant Classification Sherloc (09022015). Collection method: clinical testing. Allele origin: germline.

CeGaT Center for Human Genetics Tuebingen
Classification: Likely benign. Last evaluated: 2025-10-01. Review status: criteria provided, single submitter. Criteria: CeGaT Center For Human Genetics Tuebingen Variant Classification Criteria Version 2. Collection method: clinical testing. Allele origin: germline. Affected: yes. Observed: 1 variant allele.
Comment: APOA5: BP4, BP7, BS1

Blueprint Genetics
Classification: Likely benign. Last evaluated: 2024-11-01. Review status: criteria provided, single submitter. Criteria: ACMG Guidelines, 2015. Collection method: clinical testing. Allele origin: germline.

Ambry Genetics
Classification: Benign for Cardiovascular phenotype. Last evaluated: 2019-05-03. Review status: criteria provided, single submitter. Criteria: Ambry Variant Classification Scheme 2023. Collection method: clinical testing. Allele origin: germline.

Women's Health and Genetics/Laboratory Corporation of America, LabCorp
Classification: Benign. Last evaluated: 2017-07-17. Review status: criteria provided, single submitter. Criteria: LabCorp Variant Classification Summary - May 2015. Collection method: clinical testing. Allele origin: germline.
Comment: Variant summary: The APOA5 c.975C>T (p.Ala325Ala) variant involves the alteration of a non-conserved nucleotide, resulting in a synonymous change. Mutation taster predicts a benign outcome for this variant. 5/5 splice prediction tools predict no significant impact on normal splicing. ESE finder predicts that this variant may affect binding of multiple ESEs. However, these predictions have yet to be confirmed by functional studies. This variant was found in 131/121182 control chromosomes from ExAC, predominantly observed in the African subpopulation at a frequency of 0.012317 (128/10392). This frequency is about 616 times the estimated maximal expected allele frequency of a pathogenic APOA5 variant (0.00002), suggesting this is likely a benign polymorphism found primarily in the populations of African origin. Taken together, this variant is classified as benign.

Breakthrough Genomics
Classification: Benign. Review status: criteria provided, single submitter. Criteria: ACMG Guidelines, 2015. Collection method: not provided. Allele origin: germline. Inheritance: Autosomal dominant inheritance. Affected: yes.